The following is an entry in ClinVar:

ClinVar aggregate classification (germline): Conflicting classifications of pathogenicity. Review status: criteria provided, conflicting classifications (1 of 4 stars). 2 submissions from 2 submitters: Likely pathogenic (1); Uncertain significance (1). Last evaluated 2025-02-26.

Conditions:
Becker muscular dystrophy, Cardiomyopathy, Duchenne muscular dystrophy, Dystrophin deficiency.

Submissions (2):

Mayo Clinic Laboratories, Mayo Clinic
Classification: Uncertain significance. Last evaluated: 2025-02-26. Review status: criteria provided, single submitter. Criteria: ACMG Guidelines, 2015. Collection method: clinical testing. Allele origin: germline. Observed: 1 variant allele.
Comment: PM2_supporting, PVS1_moderate

Natera, Inc.
Classification: Likely pathogenic for Becker muscular dystrophy, Cardiomyopathy, Duchenne muscular dystrophy, Dystrophin deficiency. Last evaluated: 2024-10-17. Review status: criteria provided, single submitter. Criteria: Natera Variant Classification Schema (03/2026). Collection method: clinical testing. Allele origin: germline.
Comment: The c.7200+1G>T variant in DMD is a canonical splice donor site variant predicted to affect pre-mRNA splicing, which may result in an abnormal transcript and altered protein product. This variant is expected to result in nonsense mediated decay, truncation, or a dysfunctional protein product. This variant is rare in the general population with a frequency below the threshold expected for the associated phenotype(s). Given the available evidence, this variant is classified as Likely Pathogenic.

Literature cited by the submitters: PubMed 14977063 (cited by Mayo Clinic Laboratories, Mayo Clinic); PubMed 28610567 (cited by Mayo Clinic Laboratories, Mayo Clinic); PubMed 31139960 (cited by Mayo Clinic Laboratories, Mayo Clinic); PubMed 31197268 (cited by Mayo Clinic Laboratories, Mayo Clinic); PubMed 34297739 (cited by Mayo Clinic Laboratories, Mayo Clinic); PubMed 35886062 (cited by Mayo Clinic Laboratories, Mayo Clinic); PubMed 37961025 (cited by Mayo Clinic Laboratories, Mayo Clinic); PubMed 38682751 (cited by Mayo Clinic Laboratories, Mayo Clinic); PubMed 9619643 (cited by Mayo Clinic Laboratories, Mayo Clinic).

NM_004006.3(DMD):c.7200+1G>T

Gene: DMD (dystrophin; minus strand). Cytogenetic location: Xp21.1.
Variant type: single nucleotide variant.
Coding change: c.7200+1G>T on transcript NM_004006.3 (MANE Select); the canonical splice donor site of the intron after coding-DNA position 7200, G replaced by T.
Molecular consequence: splice donor variant.
Genome position (GRCh38, 1-based): chrX:31,836,717, C>A on the plus strand (G>T on the coding strand, the complement: DMD is on the minus strand). VCF-style: chrX-31836717-C-A. GRCh37 (hg19) VCF-style: chrX-31854834-C-A.
Other names: c.7176+1G>T (NM_000109.4); c.3177+1G>T (NM_004011.4); c.3168+1G>T (NM_004012.4); c.-181+1G>T (NM_004023.3, NM_004020.4, NM_004022.3 and 2 more transcripts); c.7188+1G>T (NM_004009.3); c.6831+1G>T (NM_004010.3).
Identifiers: ClinVar variation 4542479 (VCV004542479.2).